The following is an entry in ClinVar:

NM_003906.5(MCM3AP):c.5832G>C (p.Thr1944=)

Genes: MCM3AP (minichromosome maintenance complex component 3 associated protein; minus strand), MCM3AP-AS1 (MCM3AP antisense RNA 1; plus strand). Cytogenetic location: 21q22.3.
Variant type: single nucleotide variant.
Coding change: c.5832G>C on transcript NM_003906.5 (MANE Select); coding-DNA position 5832, G replaced by C.
Protein change: p.Thr1944=; no amino-acid change (threonine 1944 retained).
Molecular consequence: synonymous variant.
Genome position (GRCh38, 1-based): chr21:46,235,379, C>G on the plus strand (G>C on the coding strand, the complement: MCM3AP is on the minus strand). VCF-style: chr21-46235379-C-G. GRCh37 (hg19) VCF-style: chr21-47655293-C-G.
Identifiers: ClinVar variation 1670443 (VCV001670443.31), dbSNP rs577520453, ClinGen allele CA10075721.
Genomic context (GRCh38, chr21:46,235,379, plus strand): 5'-TTCCTCTTCCCTTGAACTCCGGATCAGCCTTTCCAGGTGCTTTAGTCGTTCGCCTAGACA[C>G]GTTCCTGTCGCCTCTGACAGCTGCAGTTGCTCCCTCATCATGTCACTCTATTTGAATAAA-3'
Protein context (NP_003897.2, residues 1934-1954): EQLQLSEATG[Thr1944=]CLGERLKHLE

ClinVar aggregate classification (germline): Likely benign. Review status: criteria provided, multiple submitters, no conflicts (2 of 4 stars). 2 submissions from 2 submitters: Likely benign (2). Last evaluated 2025-05-07.

gnomAD v4.1: 3 of 1,614,014 alleles (0.00019%); highest among the groups gnomAD compares: South Asian, 0.0011%; no homozygotes.

Submissions (2):

Labcorp Genetics (formerly Invitae), Labcorp
Classification: Likely benign. Last evaluated: 2025-05-07. Review status: criteria provided, single submitter. Criteria: Invitae Variant Classification Sherloc (09022015). Collection method: clinical testing. Allele origin: germline.

CeGaT Center for Human Genetics Tuebingen
Classification: Likely benign. Last evaluated: 2023-11-01. Review status: criteria provided, single submitter. Criteria: CeGaT Center For Human Genetics Tuebingen Variant Classification Criteria Version 2. Collection method: clinical testing. Allele origin: germline. Affected: yes. Observed: 1 variant allele.
Comment: MCM3AP: BP4, BP7